The following is an entry in ClinVar:

NM_052947.4(ALPK2):c.1382A>T (p.Asp461Val)

Gene: ALPK2 (alpha kinase 2; minus strand). Cytogenetic location: 18q21.31.
Variant type: single nucleotide variant.
Coding change: c.1382A>T on transcript NM_052947.4 (MANE Select); coding-DNA position 1382, A replaced by T.
Protein change: p.Asp461Val; replaces aspartic acid 461 with valine.
Molecular consequence: missense variant.
Genome position (GRCh38, 1-based): chr18:58,579,394, T>A on the plus strand (A>T on the coding strand, the complement: ALPK2 is on the minus strand). VCF-style: chr18-58579394-T-A. GRCh37 (hg19) VCF-style: chr18-56246626-T-A.
Other names: short protein forms D461V.
Identifiers: ClinVar variation 1771312 (VCV001771312.2), dbSNP rs2518899035, ClinGen allele CA402563274.

ClinVar aggregate classification (germline): Uncertain significance (1 of 4 stars; one submission).

Allele frequency attached by ClinVar (database versions not stated): gnomAD exomes below 0.00001.
gnomAD v4.1: 1 of 1,614,152 alleles (0.000062%); highest among the groups gnomAD compares: Non-Finnish European, 0.000085%; no homozygotes.

Submission:

Ambry Genetics
Classification: Uncertain significance. Last evaluated: 2022-10-15. Review status: criteria provided, single submitter. Criteria: Ambry Variant Classification Scheme 2023. Collection method: clinical testing. Allele origin: germline.
Comment: The p.D461V variant (also known as c.1382A>T), located in coding exon 3 of the ALPK2 gene, results from an A to T substitution at nucleotide position 1382. The aspartic acid at codon 461 is replaced by valine, an amino acid with highly dissimilar properties. This amino acid position is conserved. In addition, this alteration is predicted to be tolerated by in silico analysis. Since supporting evidence is limited at this time, the clinical significance of this alteration remains unclear.